The following is an entry in ClinVar:

NM_001378743.1(CYLD):c.987_988dup (p.Gly330fs)

Gene: CYLD (CYLD lysine 63 deubiquitinase; plus strand). Cytogenetic location: 16q12.1.
Variant type: Duplication.
Coding change: c.987_988dup on transcript NM_001378743.1 (MANE Select); coding-DNA positions 987 to 988, 2 bases duplicated (AG; older notation c.987_988dupAG).
Protein change: p.Gly330fs; shifts the reading frame from glycine 330.
Molecular consequence: frameshift variant. On other transcripts: non-coding transcript variant (1).
Genome position (GRCh38, 1-based): chr16:50,776,243-50,776,244, AG duplicated. VCF-style (leftmost placement, unchanged base first): chr16-50776242-A-AAG. GRCh37 (hg19) VCF-style: chr16-50810153-A-AAG.
Other names: c.978_979dup, p.Gly327fs (NM_001042355.2, NM_001042412.3, NM_001378744.1 and 9 more transcripts); c.312_313dup, p.Gly105fs (NM_001378754.1, NM_001378755.1); c.987_988dup, p.Gly330fs (NM_015247.3); c.987_988dupAG (NM_015247.2); short protein forms G330fs, G327fs, G105fs.
Identifiers: ClinVar variation 267231 (VCV000267231.1), dbSNP rs886040871, ClinGen allele CA10590068.

ClinVar aggregate classification (germline): Pathogenic (1 of 4 stars; one submission).

Conditions:
Familial cylindromatosis. Also called: ANCELL-SPIEGLER CYLINDROMAS; Turban tumor syndrome. Identifiers: Orphanet 211, Orphanet 79493, MedGen C1851526, MONDO:0007565, OMIM 132700.

Submission:

Genomic Diagnostic Laboratory, Division of Genomic Diagnostics, Children's Hospital of Philadelphia
Classification: Pathogenic for Cylindromatosis, familial. Last evaluated: 2016-09-23. Review status: criteria provided, single submitter. Criteria: DGD Variant Analysis Guidelines. Collection method: clinical testing. Allele origin: germline. Affected: yes. Observed: 1 variant allele.
Comment: Clinical Testing